The following is an entry in ClinVar:

NM_007078.3(LDB3):c.93+12C>T

Gene: LDB3 (LIM domain binding 3; plus strand). Cytogenetic location: 10q23.2.
Variant type: single nucleotide variant.
Coding change: c.93+12C>T on transcript NM_007078.3 (MANE Select); 12 bases into the intron after coding-DNA position 93, C replaced by T.
Molecular consequence: intron variant.
Genome position (GRCh38, 1-based): chr10:86,668,796, C>T. VCF-style: chr10-86668796-C-T. GRCh37 (hg19) VCF-style: chr10-88428553-C-T.
Other names: c.93+12C>T (NM_001368064.1, NM_001368063.1, NM_001368068.1 and 8 more transcripts).
Identifiers: ClinVar variation 668453 (VCV000668453.10), dbSNP rs746751581, ClinGen allele CA594894261.

ClinVar aggregate classification (germline): Likely benign. Review status: criteria provided, multiple submitters, no conflicts (2 of 4 stars). 3 submissions from 3 submitters: Likely benign (3). Last evaluated 2024-05-05.

Conditions:
Myofibrillar myopathy 4. Also called: Zaspopathy (type). Identifiers: Orphanet 98912, MedGen C4721886, MONDO:0012277, OMIM 609452.

Allele frequency attached by ClinVar (database versions not stated): TOPMed 0.00002; gnomAD 0.00003 and 0.00004; gnomAD exomes 0.00004.
gnomAD v4.1: 61 of 1,604,056 alleles (0.0038%); highest among the groups gnomAD compares: Non-Finnish European, 0.0051%; no homozygotes.

Submissions (3):

Labcorp Genetics (formerly Invitae), Labcorp
Classification: Likely benign for Myofibrillar myopathy 4. Last evaluated: 2024-05-05. Review status: criteria provided, single submitter. Criteria: Invitae Variant Classification Sherloc (09022015). Collection method: clinical testing. Allele origin: germline.

Blueprint Genetics
Classification: Likely benign. Last evaluated: 2022-03-15. Review status: criteria provided, single submitter. Criteria: ACMG Guidelines, 2015. Collection method: clinical testing. Allele origin: germline.

GeneDx
Classification: Likely benign. Last evaluated: 2018-05-16. Review status: criteria provided, single submitter. Criteria: GeneDx Variant Classification (06012015). Collection method: clinical testing. Allele origin: germline. Affected: yes.
Comment: This variant is considered likely benign or benign based on one or more of the following criteria: it is a conservative change, it occurs at a poorly conserved position in the protein, it is predicted to be benign by multiple in silico algorithms, and/or has population frequency not consistent with disease.